The following is an entry in ClinVar:

NM_001291303.3(FAT4):c.9979C>T (p.Arg3327Cys)

Gene: FAT4 (FAT atypical cadherin 4; plus strand). Cytogenetic location: 4q28.1.
Variant type: single nucleotide variant.
Coding change: c.9979C>T on transcript NM_001291303.3 (MANE Select); coding-DNA position 9979, C replaced by T.
Protein change: p.Arg3327Cys; replaces arginine 3327 with cysteine.
Molecular consequence: missense variant.
Genome position (GRCh38, 1-based): chr4:125,450,989, C>T. VCF-style: chr4-125450989-C-T. GRCh37 (hg19) VCF-style: chr4-126372144-C-T.
Other names: c.9979C>T, p.Arg3327Cys (NM_001291285.3); c.9973C>T, p.Arg3325Cys (NM_024582.6); short protein forms R3325C, R3327C.
Identifiers: ClinVar variation 3359646 (VCV003359646.2).

ClinVar aggregate classification (germline): Uncertain significance (1 of 4 stars; one submission).

gnomAD v4.1: 51 of 1,614,024 alleles (0.0032%); highest among the groups gnomAD compares: East Asian, 0.0089%; no homozygotes.

Submission:

GeneDx
Classification: Uncertain significance. Last evaluated: 2026-03-06. Review status: criteria provided, single submitter. Criteria: GeneDx Variant Classification Process June 2021. Collection method: clinical testing. Allele origin: germline.
Comment: Not observed at significant frequency in large population cohorts (gnomAD); In silico analysis supports that this missense variant has a deleterious effect on protein structure/function; Has not been previously published as pathogenic or benign to our knowledge